The following is an entry in ClinVar:

NM_015198.5(COBL):c.1538C>T (p.Ser513Phe)

Gene: COBL (cordon-bleu WH2 repeat protein; minus strand). Cytogenetic location: 7p12.1.
Variant type: single nucleotide variant.
Coding change: c.1538C>T on transcript NM_015198.5 (MANE Select); coding-DNA position 1538, C replaced by T.
Protein change: p.Ser513Phe; replaces serine 513 with phenylalanine.
Molecular consequence: missense variant.
Genome position (GRCh38, 1-based): chr7:51,029,558, G>A on the plus strand (C>T on the coding strand, the complement: COBL is on the minus strand). VCF-style: chr7-51029558-G-A. GRCh37 (hg19) VCF-style: chr7-51097255-G-A.
Other names: c.1709C>T, p.Ser570Phe (NM_001287436.3, NM_001346441.2); c.1538C>T, p.Ser513Phe (NM_001346442.2, NM_001346443.2); short protein forms S513F, S570F.
Identifiers: ClinVar variation 774653 (VCV000774653.26), dbSNP rs61739178, ClinGen allele CA4263750.

ClinVar aggregate classification (germline): Benign. Review status: criteria provided, multiple submitters, no conflicts (2 of 4 stars). 3 submissions from 3 submitters: Benign (3). Last evaluated 2023-12-01.

Allele frequency attached by ClinVar (database versions not stated): 1000 Genomes Project 0.00419; 1000 Genomes Project 30x 0.00422; gnomAD 0.00766 and 0.00796; TOPMed 0.00821; gnomAD exomes 0.00824; ExAC 0.00825; ESP Exome Variant Server 0.00938.
gnomAD v4.1: 16,241 of 1,605,870 alleles (1%); highest among the groups gnomAD compares: Non-Finnish European, 1.2%; 116 homozygotes.

Submissions (3):

CeGaT Center for Human Genetics Tuebingen
Classification: Benign. Last evaluated: 2023-12-01. Review status: criteria provided, single submitter. Criteria: CeGaT Center For Human Genetics Tuebingen Variant Classification Criteria Version 2. Collection method: clinical testing. Allele origin: germline. Affected: yes. Observed: 1 variant allele.
Comment: COBL: BP4, BS1, BS2

Labcorp Genetics (formerly Invitae), Labcorp
Classification: Benign. Last evaluated: 2018-07-06. Review status: criteria provided, single submitter. Criteria: Invitae Variant Classification Sherloc (09022015). Collection method: clinical testing. Allele origin: germline.

Breakthrough Genomics
Classification: Benign. Review status: criteria provided, single submitter. Criteria: ACMG Guidelines, 2015. Collection method: not provided. Allele origin: germline. Inheritance: Unknown mechanism. Affected: yes.